The following is an entry in ClinVar:

NM_003737.4(DCHS1):c.3291C>G (p.Asn1097Lys)

Gene: DCHS1 (dachsous cadherin-related 1; minus strand). Cytogenetic location: 11p15.4.
Variant type: single nucleotide variant.
Coding change: c.3291C>G on transcript NM_003737.4 (MANE Select); coding-DNA position 3291, C replaced by G.
Protein change: p.Asn1097Lys; replaces asparagine 1097 with lysine.
Molecular consequence: missense variant.
Genome position (GRCh38, 1-based): chr11:6,632,221, G>C on the plus strand (C>G on the coding strand, the complement: DCHS1 is on the minus strand). VCF-style: chr11-6632221-G-C. GRCh37 (hg19) VCF-style: chr11-6653452-G-C.
Other names: short protein forms N1097K.
Identifiers: ClinVar variation 4775417 (VCV004775417.1).
Genomic context (GRCh38, chr11:6,632,221, plus strand): 5'-GTTCTCAGCCACAGCCAGGAAGGTGGGATCCTCAGACAAGCGGGGACTGTGTTCATTCTG[G>C]TTGAGGATGCTGACCCTCACGGTGGCTGTGCCTGTCTGCTGCCCCAACTCAGCTTTGGAC-3'
Protein context (NP_003728.1, residues 1087-1107): GTATVRVSIL[Asn1097Lys]QNEHSPRLSE

ClinVar aggregate classification (germline): Uncertain significance (1 of 4 stars; one submission).

gnomAD v4.1: 1 of 1,613,114 alleles (0.000062%); highest among the groups gnomAD compares: Non-Finnish European, 0.000085%; no homozygotes.

Submission:

Labcorp Genetics (formerly Invitae), Labcorp
Classification: Uncertain significance. Last evaluated: 2025-12-30. Review status: criteria provided, single submitter. Criteria: Invitae Variant Classification Sherloc (09022015). Collection method: clinical testing. Allele origin: germline.
Comment: This sequence change replaces asparagine, which is neutral and polar, with lysine, which is basic and polar, at codon 1097 of the DCHS1 protein (p.Asn1097Lys). This variant is present in population databases (rs758706266, gnomAD 0.0009%). This variant has not been reported in the literature in individuals affected with DCHS1-related conditions. Invitae Evidence Modeling of protein sequence and biophysical properties (such as structural, functional, and spatial information, amino acid conservation, physicochemical variation, residue mobility, and thermodynamic stability) indicates that this missense variant is not expected to disrupt DCHS1 protein function with a negative predictive value of 80%. In summary, the available evidence is currently insufficient to determine the role of this variant in disease. Therefore, it has been classified as a Variant of Uncertain Significance.